The following is an entry in ClinVar:

ClinVar aggregate classification (germline): Uncertain significance (1 of 4 stars; one submission).

gnomAD v4.1: 2 of 1,612,896 alleles (0.00012%); highest among the groups gnomAD compares: East Asian, 0.0022%; no homozygotes.

Submission:

GeneDx
Classification: Uncertain significance. Last evaluated: 2025-03-22. Review status: criteria provided, single submitter. Criteria: GeneDx Variant Classification Process June 2021. Collection method: clinical testing. Allele origin: germline. Affected: yes.
Comment: Not observed at significant frequency in large population cohorts (gnomAD); In silico analysis supports that this missense variant has a deleterious effect on protein structure/function; Has not been previously published as pathogenic or benign to our knowledge

NM_015557.3(CHD5):c.3020C>T (p.Pro1007Leu)

Gene: CHD5 (chromodomain helicase DNA binding protein 5; minus strand). Cytogenetic location: 1p36.31.
Variant type: single nucleotide variant.
Coding change: c.3020C>T on transcript NM_015557.3 (MANE Select); coding-DNA position 3020, C replaced by T.
Protein change: p.Pro1007Leu; replaces proline 1007 with leucine.
Molecular consequence: missense variant.
Genome position (GRCh38, 1-based): chr1:6,134,252, G>A on the plus strand (C>T on the coding strand, the complement: CHD5 is on the minus strand). VCF-style: chr1-6134252-G-A. GRCh37 (hg19) VCF-style: chr1-6194312-G-A.
Other names: short protein forms P1007L.
Identifiers: ClinVar variation 4086407 (VCV004086407.1).